The following is an entry in ClinVar:

NM_014467.3(SRPX2):c.23G>A (p.Arg8Lys)

Gene: SRPX2 (sushi repeat containing protein X-linked 2; plus strand). Cytogenetic location: Xq22.1.
Variant type: single nucleotide variant.
Coding change: c.23G>A on transcript NM_014467.3 (MANE Select); coding-DNA position 23, G replaced by A.
Protein change: p.Arg8Lys; replaces arginine 8 with lysine.
Molecular consequence: missense variant.
Genome position (GRCh38, 1-based): chrX:100,646,345, G>A. VCF-style: chrX-100646345-G-A. GRCh37 (hg19) VCF-style: chrX-99901342-G-A.
Other names: short protein forms R8K.
Identifiers: ClinVar variation 1308311 (VCV001308311.2), dbSNP rs1382205262, ClinGen allele CA413922184.

ClinVar aggregate classification (germline): Uncertain significance (1 of 4 stars; one submission).

Allele frequency attached by ClinVar (database versions not stated): gnomAD exomes below 0.00001 and 0.00001; TOPMed below 0.00001.
gnomAD v4.1: 1 of 1,211,251 alleles (0.000083%); highest among the groups gnomAD compares: African/African-American, 0.0017%; no homozygotes.

Submission:

GeneDx
Classification: Uncertain significance. Last evaluated: 2019-03-27. Review status: criteria provided, single submitter. Criteria: GeneDx Variant Classification Process June 2021. Collection method: clinical testing. Allele origin: germline. Affected: yes.
Comment: In silico analysis, which includes protein predictors and evolutionary conservation, supports that this variant does not alter protein structure/function; Has not been previously published as pathogenic or benign to our knowledge